The following is an entry in ClinVar:

ClinVar aggregate classification (germline): Uncertain significance. Review status: criteria provided, multiple submitters, no conflicts (2 of 4 stars). 2 submissions from 2 submitters: Uncertain significance (2). Last evaluated 2021-09-24.

Conditions:
Inborn genetic diseases. Identifiers: MedGen C0950123, MeSH D030342.

Allele frequency attached by ClinVar (database versions not stated): ExAC 0.00002; gnomAD exomes 0.00002.
gnomAD v4.1: 99 of 1,596,896 alleles (0.0062%); highest among the groups gnomAD compares: Non-Finnish European, 0.0078%; no homozygotes.

Submissions (2):

Labcorp Genetics (formerly Invitae), Labcorp
Classification: Uncertain significance. Last evaluated: 2021-09-24. Review status: criteria provided, single submitter. Criteria: Invitae Variant Classification Sherloc (09022015). Collection method: clinical testing. Allele origin: germline.
Comment: This sequence change replaces glutamine with histidine at codon 495 of the C7 protein (p.Gln495His). The glutamine residue is moderately conserved and there is a small physicochemical difference between glutamine and histidine. This variant is present in population databases (rs780464412, ExAC 0.003%). This variant has not been reported in the literature in individuals with C7-related conditions. Algorithms developed to predict the effect of missense changes on protein structure and function output the following: SIFT: "Deleterious"; PolyPhen-2: "Benign"; Align-GVGD: "Class C0". The histidine amino acid residue is found in multiple mammalian species, suggesting that this missense change does not adversely affect protein function. These predictions have not been confirmed by published functional studies and their clinical significance is uncertain. In summary, the available evidence is currently insufficient to determine the role of this variant in disease. Therefore, it has been classified as a Variant of Uncertain Significance.

Ambry Genetics
Classification: Uncertain significance for Inborn genetic diseases. Last evaluated: 2021-07-06. Review status: criteria provided, single submitter. Criteria: Ambry Variant Classification Scheme 2023. Collection method: clinical testing. Allele origin: germline.

NM_000587.4(C7):c.1485A>T (p.Gln495His)

Gene: C7 (complement C7; plus strand). Cytogenetic location: 5p13.1.
Variant type: single nucleotide variant.
Coding change: c.1485A>T on transcript NM_000587.4 (MANE Select); coding-DNA position 1485, A replaced by T.
Protein change: p.Gln495His; replaces glutamine 495 with histidine.
Molecular consequence: missense variant.
Genome position (GRCh38, 1-based): chr5:40,958,257, A>T. VCF-style: chr5-40958257-A-T. GRCh37 (hg19) VCF-style: chr5-40958359-A-T.
Other names: c.1485A>T (NM_000587.2); short protein forms Q495H.
Identifiers: ClinVar variation 1474335 (VCV001474335.6), dbSNP rs780464412, ClinGen allele CA3249979.